The following is an entry in ClinVar:

ClinVar aggregate classification (germline): Likely pathogenic (1 of 4 stars; one submission).

Conditions:
Marfan syndrome (MFS). Also called: FBN1-Related Marfan Syndrome; Marfan syndrome type 1; Marfan's syndrome; Marfan syndrome, classic; MARFAN SYNDROME, TYPE I. Identifiers: Orphanet 284963, Orphanet 558, MedGen C0024796, MONDO:0007947, OMIM 154700.

Submission:

Women's Health and Genetics/Laboratory Corporation of America, LabCorp
Classification: Likely pathogenic for Marfan Syndrome. Last evaluated: 2011-08-18. Review status: criteria provided, single submitter. Criteria: LabCorp Variant Classification Summary - May 2015. Collection method: curation, clinical testing. Allele origin: germline. Inheritance: autosomal unknown. Affected: yes.
ClinVar note: Converted during submission from likely pathogenic to Likely pathogenic.

NM_000138.5(FBN1):c.7898G>C (p.Cys2633Ser)

Gene: FBN1 (fibrillin 1; minus strand). Cytogenetic location: 15q21.1.
Variant type: single nucleotide variant.
Coding change: c.7898G>C on transcript NM_000138.5 (MANE Select); coding-DNA position 7898, G replaced by C.
Protein change: p.Cys2633Ser; replaces cysteine 2633 with serine.
Molecular consequence: missense variant.
Genome position (GRCh38, 1-based): chr15:48,415,689, C>G on the plus strand (G>C on the coding strand, the complement: FBN1 is on the minus strand). VCF-style: chr15-48415689-C-G. GRCh37 (hg19) VCF-style: chr15-48707886-C-G.
Other names: short protein forms C2633S.
Identifiers: ClinVar variation 36123 (VCV000036123.3), dbSNP rs193922240, ClinGen allele CA017457.
Genomic context (GRCh38, chr15:48,415,689, plus strand): 5'-CCACATTCATTGATGTCTTGGCATCCTCCACTGAACTGTTCATACTGGAAGCCGGCGGGA[C>G]ACATGCACTTGTAGCTCCCCAGGGTGTTGTGACAGGAGGCTCCTCCGCAGATGTGAGCGC-3'
Protein context (NP_000129.3, residues 2623-2643): HNTLGSYKCM[Cys2633Ser]PAGFQYEQFS